The following is an entry in ClinVar:

NM_002230.4(JUP):c.1280C>T (p.Thr427Met)

Gene: JUP (junction plakoglobin; minus strand). Cytogenetic location: 17q21.2.
Variant type: single nucleotide variant.
Coding change: c.1280C>T on transcript NM_002230.4 (MANE Select); coding-DNA position 1280, C replaced by T.
Protein change: p.Thr427Met; replaces threonine 427 with methionine.
Molecular consequence: missense variant.
Genome position (GRCh38, 1-based): chr17:41,763,200, G>A on the plus strand (C>T on the coding strand, the complement: JUP is on the minus strand). VCF-style: chr17-41763200-G-A. GRCh37 (hg19) VCF-style: chr17-39919452-G-A.
Other names: c.1280C>T, p.Thr427Met (NM_001352773.2, NM_001352774.2, NM_001352775.2 and 3 more transcripts); short protein forms T427M.
Identifiers: ClinVar variation 409984 (VCV000409984.18), dbSNP rs781982717, ClinGen allele CA8565242.
Genomic context (GRCh38, chr17:41,763,200, plus strand): 5'-TCACCAGCACGCAGGATGGCATGGATGAGAGCCTCCACACCGCTGTTCTGTGTCACCAGC[G>A]TCTTGTTCTTGCTGTTGTTGCATGTCAGGTTGGAGAGTGTGCCCGTGGCACAGGTGAGGA-3'
Protein context (NP_002221.1, residues 417-437): NLTCNNSKNK[Thr427Met]LVTQNSGVEA

ClinVar aggregate classification (germline): Conflicting classifications of pathogenicity. Review status: criteria provided, conflicting classifications (1 of 4 stars). 4 submissions from 4 submitters: Uncertain significance (3); Likely benign (1). Last evaluated 2024-12-24.

Conditions:
Cardiovascular phenotype. Identifiers: MedGen CN230736.
Naxos disease (NXD). Also called: KERATOSIS PALMOPLANTARIS WITH ARRHYTHMOGENIC CARDIOMYOPATHY; MAL DE NAXOS; PALMOPLANTAR KERATODERMA WITH ARRHYTHMOGENIC RIGHT VENTRICULAR CARDIOMYOPATHY AND WOOLLY HAIR; WOOLLY HAIR, PALMOPLANTAR KERATODERMA, AND CARDIAC ABNORMALITIES; CARDIOMYOPATHY, ARRHYTHMOGENIC RIGHT VENTRICULAR, WITH SKIN, HAIR, AND NAIL ABNORMALITIES. Identifiers: Orphanet 34217, MedGen C1832600, MONDO:0011017, OMIM 601214.
Arrhythmogenic right ventricular dysplasia 12. Also called: ARRHYTHMOGENIC RIGHT VENTRICULAR DYSPLASIA, FAMILIAL, 12. Identifiers: MedGen C1969081, MONDO:0012684, OMIM 611528.

Allele frequency attached by ClinVar (database versions not stated): gnomAD exomes 0.00002 and 0.00005; gnomAD 0.00004; ExAC 0.00005; TOPMed 0.00006.
gnomAD v4.1: 44 of 1,614,126 alleles (0.0027%); highest among the groups gnomAD compares: Admixed American, 0.01%; no homozygotes.

Submissions (4):

Labcorp Genetics (formerly Invitae), Labcorp
Classification: Uncertain significance for Arrhythmogenic right ventricular dysplasia 12; Naxos disease. Last evaluated: 2024-12-24. Review status: criteria provided, single submitter. Criteria: Invitae Variant Classification Sherloc (09022015). Collection method: clinical testing. Allele origin: germline.
Comment: This sequence change replaces threonine, which is neutral and polar, with methionine, which is neutral and non-polar, at codon 427 of the JUP protein (p.Thr427Met). This variant is present in population databases (rs781982717, gnomAD 0.02%). This missense change has been observed in individual(s) with arrhythmogenic right ventricular dysplasia/cardiomyopathy (ARVD/C) (PMID: 20864495, 24125834). ClinVar contains an entry for this variant (Variation ID: 409984). An algorithm developed to predict the effect of missense changes on protein structure and function (PolyPhen-2) suggests that this variant¬¨‚Ä†is likely to be tolerated. In summary, the available evidence is currently insufficient to determine the role of this variant in disease. Therefore, it has been classified as a Variant of Uncertain Significance.

Ambry Genetics
Classification: Likely benign for Cardiovascular phenotype. Last evaluated: 2022-05-13. Review status: criteria provided, single submitter. Criteria: Ambry Variant Classification Scheme 2023. Collection method: clinical testing. Allele origin: germline.

ARUP Laboratories, Molecular Genetics and Genomics, ARUP Laboratories
Classification: Uncertain significance. Last evaluated: 2020-07-24. Review status: criteria provided, single submitter. Criteria: ARUP Molecular Germline Variant Investigation Process. Collection method: clinical testing. Allele origin: germline.
Comment: The JUP c.1280C>T; p.Thr427Met variant (rs781982717) is reported in the literature in several individuals with a diagnosis or suspicion of arrhythmogenic right ventricular cardiomyopathy (Bao 2013, Christensen 2010). This variant is found in the Latino population with an overall allele frequency of 0.02% (6/35540 alleles) in the Genome Aggregation Database. The threonine at codon 427 is highly conserved, but computational analyses (SIFT, PolyPhen-2) predict that this variant is tolerated. However, given the lack of clinical and functional data, the significance of the p.Thr427Met variant is uncertain at this time. References: Bao J et al. Correlation of ventricular arrhythmias with genotype in arrhythmogenic right ventricular cardiomyopathy. Circ Cardiovasc Genet. 2013;6(6):552-556. Christensen et al. Wide Spectrum of Desmosomal Mutations in Danish Patients With Arrhythmogenic Right Ventricular Cardiomyopathy. J Med Genet. 2010 Nov;47(11):736-44.

GeneDx
Classification: Uncertain significance. Last evaluated: 2019-05-20. Review status: criteria provided, single submitter. Criteria: GeneDx Variant Classification Process June 2021. Collection method: clinical testing. Allele origin: germline. Affected: yes.
Comment: Reported in association with ARVC; however, no additional clinical information was provided (Christensen et al., 2010; Bao et al., 2013); In silico analysis, which includes protein predictors and evolutionary conservation, supports that this variant does not alter protein structure/function; This variant is associated with the following publications: (PMID: 24125834, 20864495, 31402444)

Literature cited by the submitters: PubMed 20864495 (cited by Labcorp Genetics (formerly Invitae), Labcorp and Ambry Genetics); PubMed 24125834 (cited by Labcorp Genetics (formerly Invitae), Labcorp and Ambry Genetics); PubMed 28471438 (cited by Ambry Genetics).